The following is an entry in ClinVar:

NC_000016.9:g.(?_89882935)_(89883024_?)dup

Gene: FANCA (FA complementation group A; minus strand). Cytogenetic location: 16q24.3.
Variant type: Duplication.
Identifiers: ClinVar variation 1019314 (VCV001019314.4).

ClinVar aggregate classification (germline): Uncertain significance (1 of 4 stars; one submission).

Conditions:
Fanconi anemia (FA). Also called: Fanconi's anemia. Identifiers: Orphanet 84, MedGen C0015625, MeSH D005199, MONDO:0019391.

Submission:

Labcorp Genetics (formerly Invitae), Labcorp
Classification: Uncertain significance for Fanconi anemia. Last evaluated: 2020-02-11. Review status: criteria provided, single submitter. Criteria: Invitae Variant Classification Sherloc (09022015). Collection method: clinical testing. Allele origin: germline.
Comment: This variant results in a copy number gain of the genomic region encompassing exon 1 of the FANCA gene, which includes the initiator codon. The 5' end of this event is unknown as it extends beyond the assayed region for this gene and therefore may encompass additional genes. The 3' boundary is likely confined to intron 1 of the FANCA gene. As the precise location of this event is unknown, it may be in tandem or it may be located elsewhere in the genome. This variant has not been reported in the literature in individuals with FANCA-related conditions. Experimental studies and prediction algorithms are not available or were not evaluated, and the functional significance of this variant is currently unknown. In summary, the available evidence is currently insufficient to determine the role of this variant in disease. Therefore, it has been classified as a Variant of Uncertain Significance.